The following is an entry in ClinVar:

NM_001384125.1(BLTP1):c.11694C>G (p.Thr3898=)

Gene: BLTP1 (bridge-like lipid transfer protein family member 1; plus strand). Cytogenetic location: 4q27.
Variant type: single nucleotide variant.
Coding change: c.11694C>G on transcript NM_001384125.1 (MANE Select); coding-DNA position 11694, C replaced by G.
Protein change: p.Thr3898=; no amino-acid change (threonine 3898 retained).
Molecular consequence: synonymous variant.
Genome position (GRCh38, 1-based): chr4:122,331,506, C>G. VCF-style: chr4-122331506-C-G. GRCh37 (hg19) VCF-style: chr4-123252661-C-G.
Other names: c.11430C>G, p.Thr3810= (NM_015312.4).
Identifiers: ClinVar variation 4981612 (VCV004981612.1).

ClinVar aggregate classification (germline): Likely benign (1 of 4 stars; one submission).

Conditions:
BLTP1-related disorder. Also called: BLTP1-related condition.

gnomAD v4.1: 119 of 1,611,336 alleles (0.0074%); highest among the groups gnomAD compares: Middle Eastern, 0.017%; no homozygotes.

Submission:

PreventionGenetics, part of Exact Sciences
Classification: Likely benign for BLTP1-related condition. Last evaluated: 2024-10-26. Review status: criteria provided, single submitter. Criteria: ACMG Guidelines, 2015. Collection method: clinical testing. Allele origin: germline.
Comment: This variant is classified as likely benign based on ACMG/AMP sequence variant interpretation guidelines (Richards et al. 2015 PMID: 25741868, with internal and published modifications).